The following is an entry in ClinVar:

NM_000321.3(RB1):c.203A>C (p.Asp68Ala)

Gene: RB1 (RB transcriptional corepressor 1; plus strand). Cytogenetic location: 13q14.2.
Variant type: single nucleotide variant.
Coding change: c.203A>C on transcript NM_000321.3 (MANE Select); coding-DNA position 203, A replaced by C.
Protein change: p.Asp68Ala; replaces aspartic acid 68 with alanine.
Molecular consequence: missense variant.
Genome position (GRCh38, 1-based): chr13:48,307,345, A>C. VCF-style: chr13-48307345-A-C. GRCh37 (hg19) VCF-style: chr13-48881481-A-C.
Other names: c.203A>C, p.Asp68Ala (NM_001407165.1, NM_001407166.1, NM_001407167.1); short protein forms D68A.
Identifiers: ClinVar variation 1784863 (VCV001784863.2), dbSNP rs1952089852, ClinGen allele CA388250569.
Genomic context (GRCh38, chr13:48,307,345, plus strand): 5'-AGTTTGAAGAAACAGAAGAACCTGATTTTACTGCATTATGTCAGAAATTAAAGATACCAG[A>C]TCATGTCAGAGAGAGAGCTTGGTTAACTTGGGAGAAAGTTTCATCTGTGGATGGAGTATT-3'
Protein context (NP_000312.2, residues 58-78): TALCQKLKIP[Asp68Ala]HVRERAWLTW

ClinVar aggregate classification (germline): Uncertain significance (1 of 4 stars; one submission).

Conditions:
Hereditary cancer-predisposing syndrome. Also called: Neoplastic Syndromes, Hereditary; Tumor predisposition; Hereditary Cancer Syndrome; Hereditary neoplastic syndrome. Identifiers: Orphanet 140162, MedGen C0027672, MeSH D009386, MONDO:0015356.

Submission:

Ambry Genetics
Classification: Uncertain significance for Hereditary cancer-predisposing syndrome. Last evaluated: 2023-12-26. Review status: criteria provided, single submitter. Criteria: Ambry Variant Classification Scheme 2023. Collection method: clinical testing. Allele origin: germline.
Comment: The p.D68A variant (also known as c.203A>C), located in coding exon 2 of the RB1 gene, results from an A to C substitution at nucleotide position 203. The aspartic acid at codon 68 is replaced by alanine, an amino acid with dissimilar properties. This amino acid position is well conserved in available vertebrate species. In addition, the in silico prediction for this alteration is inconclusive. Since supporting evidence is limited at this time, the clinical significance of this alteration remains unclear.